The following is an entry in ClinVar:

NM_052859.4(RFT1):c.1560G>A (p.Glu520=)

Gene: RFT1 (RFT1 glycolipid translocator homolog; minus strand). Cytogenetic location: 3p21.1.
Variant type: single nucleotide variant.
Coding change: c.1560G>A on transcript NM_052859.4 (MANE Select); coding-DNA position 1560, G replaced by A.
Protein change: p.Glu520=; no amino-acid change (glutamic acid 520 retained).
Molecular consequence: synonymous variant.
Genome position (GRCh38, 1-based): chr3:53,091,969, C>T on the plus strand (G>A on the coding strand, the complement: RFT1 is on the minus strand). VCF-style: chr3-53091969-C-T. GRCh37 (hg19) VCF-style: chr3-53125985-C-T.
Identifiers: ClinVar variation 507030 (VCV000507030.9), dbSNP rs369800703, ClinGen allele CA2451122.

ClinVar aggregate classification (germline): Likely benign. Review status: criteria provided, multiple submitters, no conflicts (2 of 4 stars). 3 submissions from 3 submitters: Likely benign (3). Last evaluated 2026-01-07.

Conditions:
RFT1-congenital disorder of glycosylation (CDG1N). Also called: Congenital disorder of glycosylation type In; RFT1-CDG; CDG In. Identifiers: Orphanet 244310, MedGen C2677590, MONDO:0012783, OMIM 612015.

Allele frequency attached by ClinVar (database versions not stated): TOPMed 0.00002; ESP Exome Variant Server 0.00008.
gnomAD v4.1: 51 of 1,614,152 alleles (0.0032%); highest among the groups gnomAD compares: Middle Eastern, 0.033%; 1 homozygote.

Submissions (3):

Labcorp Genetics (formerly Invitae), Labcorp
Classification: Likely benign for RFT1-congenital disorder of glycosylation. Last evaluated: 2026-01-07. Review status: criteria provided, single submitter. Criteria: Invitae Variant Classification Sherloc (09022015). Collection method: clinical testing. Allele origin: germline.

Blueprint Genetics
Classification: Likely benign. Last evaluated: 2023-11-06. Review status: criteria provided, single submitter. Criteria: ACMG Guidelines, 2015. Collection method: clinical testing. Allele origin: germline.

GeneDx
Classification: Likely benign. Last evaluated: 2017-02-07. Review status: criteria provided, single submitter. Criteria: GeneDx Variant Classification (06012015). Collection method: clinical testing. Allele origin: germline. Affected: yes.
Comment: This variant is considered likely benign or benign based on one or more of the following criteria: it is a conservative change, it occurs at a poorly conserved position in the protein, it is predicted to be benign by multiple in silico algorithms, and/or has population frequency not consistent with disease.